The following is an entry in ClinVar:

ClinVar aggregate classification (germline): Pathogenic (1 of 4 stars; one submission).

Conditions:
Fanconi anemia (FA). Also called: Fanconi's anemia. Identifiers: Orphanet 84, MedGen C0015625, MeSH D005199, MONDO:0019391.

Submission:

Labcorp Genetics (formerly Invitae), Labcorp
Classification: Pathogenic for Fanconi anemia. Last evaluated: 2023-12-09. Review status: criteria provided, single submitter. Criteria: Invitae Variant Classification Sherloc (09022015). Collection method: clinical testing. Allele origin: germline.
Comment: This sequence change creates a premature translational stop signal (p.Gln159Thrfs*4) in the FANCI gene. It is expected to result in an absent or disrupted protein product. Loss-of-function variants in FANCI are known to be pathogenic (PMID: 17452773, 17460694). This variant is not present in population databases (gnomAD no frequency). This variant has not been reported in the literature in individuals affected with FANCI-related conditions. For these reasons, this variant has been classified as Pathogenic.

Literature cited by the submitters: PubMed 17452773; PubMed 17460694.

NM_001113378.2(FANCI):c.474dup (p.Gln159fs)

Gene: FANCI (FA complementation group I; plus strand). Cytogenetic location: 15q26.1.
Variant type: Duplication.
Coding change: c.474dup on transcript NM_001113378.2 (MANE Select); coding-DNA position 474, one base duplicated (A; older notation c.474dupA).
Protein change: p.Gln159fs; shifts the reading frame from glutamine 159.
Molecular consequence: frameshift variant.
Genome position (GRCh38, 1-based): chr15:89,261,849, A duplicated; the last of 3 consecutive A bases (chr15:89,261,847-89,261,849); duplicating any one gives the same sequence. VCF-style (leftmost placement, unchanged base first): chr15-89261846-G-GA. GRCh37 (hg19) VCF-style: chr15-89805077-G-GA.
Other names: c.195dup, p.Gln66fs (NM_001376910.1); c.474dup, p.Gln159fs (NM_001376911.1, NM_018193.3); short protein forms Q159fs, Q66fs.
Identifiers: ClinVar variation 2791030 (VCV002791030.3), dbSNP rs2505911590, ClinGen allele CA2739269643.